The following is an entry in ClinVar:

ClinVar aggregate classification (germline): Uncertain significance (1 of 4 stars; one submission).

Conditions:
Autism (AUTS). Also called: Autistic disorder; Autistic disorder of childhood onset. Identifiers: MedGen C0004352, MeSH D001321, MONDO:0005260, OMIM 209850, HP:0000717.
Intellectual disability. Also called: Intellectual functioning disability; intellectual disabilities; Intellectual developmental disorder. Identifiers: MedGen C3714756, MeSH D008607, MONDO:0001071, HP:0001249.

Submission:

Clinical Genetics Laboratory, Skane University Hospital Lund
Classification: Uncertain significance for Intellectual disability; Autism. Last evaluated: 2025-09-09. Review status: criteria provided, single submitter. Criteria: ACMG Guidelines, 2015. Collection method: clinical testing. Allele origin: germline. Inheritance: X-linked recessive inheritance. Affected: yes.
Comment: ACMG criteria used: PM2, PM4

NM_001081550.2(THOC2):c.1410AGA[1] (p.Glu471del)

Gene: THOC2 (THO complex subunit 2; minus strand). Cytogenetic location: Xq25.
Variant type: Microsatellite.
Coding change: c.1410AGA[1] on transcript NM_001081550.2 (MANE Select); one copy of the 3-base unit AGA starting at c.1410; the reference has two copies in a row; one copy, 3 bases deleted; also written c.1413_1415del.
Protein change: p.Glu471del; deletes glutamic acid 471.
Genome position (GRCh38, 1-based): chrX:123,645,347-123,645,349, TCT deleted on the plus strand (AGA on the coding strand, the reverse complement: THOC2 is on the minus strand); deleting any 3 consecutive bases within chrX:123,645,347-123,645,353 gives the same sequence; the position shown is the placement nearest the transcript's 3' end. VCF-style (leftmost placement, unchanged base first): chrX-123645346-ATCT-A. GRCh37 (hg19) VCF-style: chrX-122779197-ATCT-A.
Other names: c.1413_1415del (NM_001081550.2); c.1410AGA[1], p.Glu471del (NM_001441235.1, NM_001441236.1); short protein forms E471del.
Identifiers: ClinVar variation 4082112 (VCV004082112.1).